The following is an entry in ClinVar:

NM_001743.6(CALM2):c.68A>G (p.Asp23Gly)

Gene: CALM2 (calmodulin 2; minus strand). Cytogenetic location: 2p21.
Variant type: single nucleotide variant.
Coding change: c.68A>G on transcript NM_001743.6 (MANE Select); coding-DNA position 68, A replaced by G.
Protein change: p.Asp23Gly; replaces aspartic acid 23 with glycine.
Molecular consequence: missense variant. On other transcripts: 5 prime UTR variant (2).
Genome position (GRCh38, 1-based): chr2:47,162,629, T>C on the plus strand (A>G on the coding strand, the complement: CALM2 is on the minus strand). VCF-style: chr2-47162629-T-C. GRCh37 (hg19) VCF-style: chr2-47389768-T-C.
Other names: c.212A>G, p.Asp71Gly (NM_001305624.1); c.-41A>G (NM_001305625.2, NM_001305626.1); short protein forms D23G, D71G.
Identifiers: ClinVar variation 3136743 (VCV003136743.1), dbSNP rs11551457, ClinGen allele CA46691730.

ClinVar aggregate classification (germline): Uncertain significance (1 of 4 stars; one submission).

Conditions:
Cardiovascular phenotype. Identifiers: MedGen CN230736.

Submission:

Ambry Genetics
Classification: Uncertain significance for Cardiovascular phenotype. Last evaluated: 2024-01-25. Review status: criteria provided, single submitter. Criteria: Ambry Variant Classification Scheme 2023. Collection method: clinical testing. Allele origin: germline.
Comment: The c.68A>G (p.D23G) alteration is located in exon 3 (coding exon 3) of the CALM2 gene. This alteration results from an A to G substitution at nucleotide position 68, causing the aspartic acid (D) at amino acid position 23 to be replaced by a glycine (G). This variant was not reported in population-based cohorts in the Genome Aggregation Database (gnomAD). This amino acid position is highly conserved in available vertebrate species. This missense alteration is located in a region that has a low rate of benign missense variation (Lek, 2016; Firth, 2009). This alteration is predicted to be deleterious by in silico analysis. Based on insufficient or conflicting evidence, the clinical significance of this alteration remains unclear.